The following is an entry in ClinVar:

NM_007129.5(ZIC2):c.82_83insGGGGGGGGGGGGGG (p.Ala28fs)

Gene: ZIC2 (Zic family zinc finger 2; plus strand). Cytogenetic location: 13q32.3.
Variant type: Insertion.
Coding change: c.82_83insGGGGGGGGGGGGGG on transcript NM_007129.5 (MANE Select); coding-DNA positions 82 to 83, GGGGGGGGGGGGGG inserted.
Protein change: p.Ala28fs; shifts the reading frame from alanine 28.
Molecular consequence: frameshift variant.
Genome position: GRCh38 VCF-style: chr13-99982144-C-CGGGGGGGGGGGGGG. GRCh37 (hg19) VCF-style: chr13-100634398-C-CGGGGGGGGGGGGGG.
Other names: short protein forms A28fs.
Identifiers: ClinVar variation 5010267 (VCV005010267.1).

ClinVar aggregate classification (germline): Pathogenic (1 of 4 stars; one submission).

Conditions:
Fetal anomalies with a likely genetic cause.

Submission:

Genetics Laboratory, Great Ormond Street Hospital NHS Foundation Trust, North Thames Genomic Laboratory Hub
Classification: Pathogenic for Fetal anomalies with a likely genetic cause. Last evaluated: 2026-08-05. Review status: criteria provided, single submitter. Criteria: ACGS Best Practice Guidelines for Variant Classification in Rare Disease 2024 v1.2. Collection method: clinical testing. Allele origin: germline. Affected: yes.
Comment: PM2_moderate, PVS1_very-strong